The following is an entry in ClinVar:

NM_006690.4(MMP24):c.148G>C (p.Ala50Pro)

Genes: MMP24 (matrix metallopeptidase 24; plus strand), MMP24-AS1-EDEM2 (MMP24-AS1-EDEM2 readthrough; minus strand). Cytogenetic location: 20q11.22.
Variant type: single nucleotide variant.
Coding change: c.148G>C on transcript NM_006690.4 (MANE Select); coding-DNA position 148, G replaced by C.
Protein change: p.Ala50Pro; replaces alanine 50 with proline.
Molecular consequence: missense variant. On other transcripts: intron variant (1).
Genome position (GRCh38, 1-based): chr20:35,226,886, G>C. VCF-style: chr20-35226886-G-C. GRCh37 (hg19) VCF-style: chr20-33814689-G-C.
Other names: c.-351-8825C>G (NM_001355008.2); short protein forms A50P.
Identifiers: ClinVar variation 2279508 (VCV002279508.2), dbSNP rs2060415492, ClinGen allele CA408707099.

ClinVar aggregate classification (germline): Uncertain significance (1 of 4 stars; one submission).

Allele frequency attached by ClinVar (database versions not stated): gnomAD 0.00001; TOPMed 0.00002.

Submission:

Ambry Genetics
Classification: Uncertain significance. Last evaluated: 2022-03-23. Review status: criteria provided, single submitter. Criteria: Ambry Variant Classification Scheme 2023. Collection method: clinical testing. Allele origin: germline.
Comment: The c.148G>C (p.A50P) alteration is located in exon (coding exon ) of the MMP24 gene. This alteration results from a G to C substitution at nucleotide position 148, causing the alanine (A) at amino acid position 50 to be replaced by a proline (P). Based on insufficient or conflicting evidence, the clinical significance of this alteration remains unclear.